The following is an entry in ClinVar:

NM_004859.4(CLTC):c.2753G>A (p.Cys918Tyr)

Gene: CLTC (clathrin heavy chain; plus strand). Cytogenetic location: 17q23.1.
Variant type: single nucleotide variant.
Coding change: c.2753G>A on transcript NM_004859.4 (MANE Select); coding-DNA position 2753, G replaced by A.
Protein change: p.Cys918Tyr; replaces cysteine 918 with tyrosine.
Molecular consequence: missense variant.
Genome position (GRCh38, 1-based): chr17:59,677,145, G>A. VCF-style: chr17-59677145-G-A. GRCh37 (hg19) VCF-style: chr17-57754506-G-A.
Other names: c.2765G>A, p.Cys922Tyr (NM_001288653.2); short protein forms C918Y, C922Y.
Identifiers: ClinVar variation 1901984 (VCV001901984.5), dbSNP rs781264006, ClinGen allele CA8681451.
Genomic context (GRCh38, chr17:59,677,145, plus strand): 5'-CCTACTATGACAGTCGCGTTGTTGGAAAGTATTGTGAGAAGAGAGATCCACATCTGGCCT[G>A]TGTTGCTTATGAACGTGGCCAATGTGATCTGGAACTTATTAATGTGAGTACTGCTAGCTG-3'
Protein context (NP_004850.1, residues 908-928): YCEKRDPHLA[Cys918Tyr]VAYERGQCDL

ClinVar aggregate classification (germline): Uncertain significance (1 of 4 stars; one submission).

Allele frequency attached by ClinVar (database versions not stated): gnomAD 0.00001; gnomAD exomes 0.00001; TOPMed 0.00001; ExAC 0.00002.
gnomAD v4.1: 12 of 1,614,002 alleles (0.00074%); highest among the groups gnomAD compares: Non-Finnish European, 0.000085%; no homozygotes.

Submission:

Labcorp Genetics (formerly Invitae), Labcorp
Classification: Uncertain significance. Last evaluated: 2022-08-15. Review status: criteria provided, single submitter. Criteria: Invitae Variant Classification Sherloc (09022015). Collection method: clinical testing. Allele origin: germline.
Comment: In summary, the available evidence is currently insufficient to determine the role of this variant in disease. Therefore, it has been classified as a Variant of Uncertain Significance. This sequence change replaces cysteine, which is neutral and slightly polar, with tyrosine, which is neutral and polar, at codon 922 of the CLTC protein (p.Cys922Tyr). This variant is present in population databases (rs781264006, gnomAD 0.04%). This variant has not been reported in the literature in individuals affected with CLTC-related conditions. Algorithms developed to predict the effect of missense changes on protein structure and function are either unavailable or do not agree on the potential impact of this missense change (SIFT: "Tolerated"; PolyPhen-2: "Not Available"; Align-GVGD: "Class C0").